The following is an entry in ClinVar:

ClinVar aggregate classification (germline): Conflicting classifications of pathogenicity. Review status: criteria provided, conflicting classifications (1 of 4 stars). 4 submissions from 4 submitters: Uncertain significance (3); Likely benign (1). Last evaluated 2026-06-15.

Conditions:
Gastrointestinal stromal tumor. Also called: Gastrointestinal stroma tumor; Gastrointestinal stromal tumor, somatic. Identifiers: Orphanet 44890, MedGen C0238198, MeSH D046152, MONDO:0011719, OMIM 606764, HP:0100723.
Polyps, multiple and recurrent inflammatory fibroid, gastrointestinal. Identifiers: MedGen C5193005, MONDO:0008285, OMIM 175510.
Hereditary cancer-predisposing syndrome. Also called: Tumor predisposition; Hereditary neoplastic syndrome; Hereditary Cancer Syndrome; Neoplastic Syndromes, Hereditary. Identifiers: Orphanet 140162, MedGen C0027672, MeSH D009386, MONDO:0015356.

Allele frequency attached by ClinVar (database versions not stated): gnomAD 0.00001; gnomAD exomes 0.00001; ExAC 0.00002; TOPMed 0.00003; ESP Exome Variant Server 0.00008.
gnomAD v4.1: 23 of 1,613,960 alleles (0.0014%); highest among the groups gnomAD compares: Middle Eastern, 0.016%; no homozygotes.

Submissions (4):

Myriad Genetics, Inc.
Classification: Likely benign for Polyps, multiple and recurrent inflammatory fibroid, gastrointestinal. Last evaluated: 2026-06-15. Review status: criteria provided, single submitter. Criteria: Myriad Autosomal Dominant, Autosomal Recessive and X-Linked Classification Criteria (2023). Collection method: clinical testing. Allele origin: unknown.
Comment: This variant is considered likely benign. This variant has been observed at a population frequency that is significantly greater than expected given the associated disease prevalence and penetrance.

Labcorp Genetics (formerly Invitae), Labcorp
Classification: Uncertain significance for Gastrointestinal stromal tumor. Last evaluated: 2025-06-02. Review status: criteria provided, single submitter. Criteria: Invitae Variant Classification Sherloc (09022015). Collection method: clinical testing. Allele origin: germline.
Comment: This sequence change replaces serine, which is neutral and polar, with leucine, which is neutral and non-polar, at codon 847 of the PDGFRA protein (p.Ser847Leu). This variant is present in population databases (rs377487797, gnomAD 0.003%). This variant has not been reported in the literature in individuals affected with PDGFRA-related conditions. ClinVar contains an entry for this variant (Variation ID: 528535). Invitae Evidence Modeling of protein sequence and biophysical properties (such as structural, functional, and spatial information, amino acid conservation, physicochemical variation, residue mobility, and thermodynamic stability) has been performed for this missense variant. However, the output from this modeling did not meet the statistical confidence thresholds required to predict the impact of this variant on PDGFRA protein function. In summary, the available evidence is currently insufficient to determine the role of this variant in disease. Therefore, it has been classified as a Variant of Uncertain Significance.

Ambry Genetics
Classification: Uncertain significance for Hereditary cancer-predisposing syndrome. Last evaluated: 2024-04-20. Review status: criteria provided, single submitter. Criteria: Ambry Variant Classification Scheme 2023. Collection method: clinical testing. Allele origin: germline.
Comment: The p.S847L variant (also known as c.2540C>T), located in coding exon 17 of the PDGFRA gene, results from a C to T substitution at nucleotide position 2540. The serine at codon 847 is replaced by leucine, an amino acid with dissimilar properties. This amino acid position is conserved. In addition, the in silico prediction for this alteration is inconclusive. Since supporting evidence is limited at this time, the clinical significance of this alteration remains unclear.

GeneDx
Classification: Uncertain significance. Last evaluated: 2023-06-08. Review status: criteria provided, single submitter. Criteria: GeneDx Variant Classification Process June 2021. Collection method: clinical testing. Allele origin: germline. Affected: yes.
Comment: Not observed at significant frequency in large population cohorts (gnomAD); In silico analysis supports that this missense variant has a deleterious effect on protein structure/function; Has not been previously published as pathogenic or benign to our knowledge

NM_006206.6(PDGFRA):c.2540C>T (p.Ser847Leu)

Gene: PDGFRA (platelet derived growth factor receptor alpha; plus strand). Cytogenetic location: 4q12.
Variant type: single nucleotide variant.
Coding change: c.2540C>T on transcript NM_006206.6 (MANE Select); coding-DNA position 2540, C replaced by T.
Protein change: p.Ser847Leu; replaces serine 847 with leucine.
Molecular consequence: missense variant.
Genome position (GRCh38, 1-based): chr4:54,285,941, C>T. VCF-style: chr4-54285941-C-T. GRCh37 (hg19) VCF-style: chr4-55152108-C-T.
Other names: c.2615C>T, p.Ser872Leu (NM_001347828.2); c.2540C>T, p.Ser847Leu (NM_001347829.2); c.2579C>T, p.Ser860Leu (NM_001347830.2); short protein forms S847L, S860L, S872L.
Identifiers: ClinVar variation 528535 (VCV000528535.13), dbSNP rs377487797, ClinGen allele CA2922884.